The following is an entry in ClinVar:

ClinVar aggregate classification (germline): Conflicting classifications of pathogenicity. Review status: criteria provided, conflicting classifications (1 of 4 stars). 2 submissions from 2 submitters: Uncertain significance (1); Likely benign (1). Last evaluated 2023-06-20.

Conditions:
Spastic paraplegia. Identifiers: MedGen C0037772, HP:0001258.

gnomAD v4.1: 4 of 1,203,872 alleles (0.00033%); highest among the groups gnomAD compares: Non-Finnish European, 0.00034%; no homozygotes.

Submissions (2):

Labcorp Genetics (formerly Invitae), Labcorp
Classification: Uncertain significance for Spastic paraplegia. Last evaluated: 2023-06-20. Review status: criteria provided, single submitter. Criteria: Invitae Variant Classification Sherloc (09022015). Collection method: clinical testing. Allele origin: germline.
Comment: This variant has not been reported in the literature in individuals affected with KDM5C-related conditions. ClinVar contains an entry for this variant (Variation ID: 1185895). The frequency data for this variant in the population databases is considered unreliable, as metrics indicate poor data quality at this position in the gnomAD database. This sequence change affects codon 832 of the KDM5C mRNA. It is a 'silent' change, meaning that it does not change the encoded amino acid sequence of the KDM5C protein. Algorithms developed to predict the effect of sequence changes on RNA splicing suggest that this variant may disrupt the consensus splice site. In summary, the available evidence is currently insufficient to determine the role of this variant in disease. Therefore, it has been classified as a Variant of Uncertain Significance.

GeneDx
Classification: Likely benign. Last evaluated: 2021-06-14. Review status: criteria provided, single submitter. Criteria: GeneDx Variant Classification Process June 2021. Collection method: clinical testing. Allele origin: germline. Affected: yes.

NM_004187.5(KDM5C):c.2496G>T (p.Leu832=)

Gene: KDM5C (lysine demethylase 5C; minus strand). Cytogenetic location: Xp11.22.
Variant type: single nucleotide variant.
Coding change: c.2496G>T on transcript NM_004187.5 (MANE Select); coding-DNA position 2496, G replaced by T.
Protein change: p.Leu832=; no amino-acid change (leucine 832 retained).
Molecular consequence: synonymous variant. On other transcripts: non-coding transcript variant (3).
Genome position (GRCh38, 1-based): chrX:53,198,510, C>A on the plus strand (G>T on the coding strand, the complement: KDM5C is on the minus strand). VCF-style: chrX-53198510-C-A. GRCh37 (hg19) VCF-style: chrX-53227692-C-A.
Other names: c.2295G>T, p.Leu765= (NM_001146702.2); c.2493G>T, p.Leu831= (NM_001282622.3, NM_001353979.2, NM_001353982.2); c.2496G>T, p.Leu832= (NM_001353978.3, NM_001353981.2, NM_001353984.2).
Identifiers: ClinVar variation 1185895 (VCV001185895.5), dbSNP rs139444870, ClinGen allele CA516425779.